The following is an entry in ClinVar:

NC_000003.11:g.(?_195984639)_(195984778_?)del

Gene: PCYT1A (phosphate cytidylyltransferase 1A, choline; minus strand). Cytogenetic location: 3q29.
Variant type: Deletion.
Identifiers: ClinVar variation 3247001 (VCV003247001.1).

ClinVar aggregate classification (germline): Uncertain significance (1 of 4 stars; one submission).

Submission:

Labcorp Genetics (formerly Invitae), Labcorp
Classification: Uncertain significance. Last evaluated: 2023-05-16. Review status: criteria provided, single submitter. Criteria: Invitae Variant Classification Sherloc (09022015). Collection method: clinical testing. Allele origin: unknown.
Comment: This variant has not been reported in the literature in individuals affected with PCYT1A-related conditions. In summary, the available evidence is currently insufficient to determine the role of this variant in disease. Therefore, it has been classified as a Variant of Uncertain Significance. This variant is a gross deletion of the genomic region encompassing exon(s) 4 of the PCYT1A gene. This deletion is out-of-frame, and is expected to create a premature translational stop signal and result in an absent or disrupted protein product. However, the current clinical and genetic evidence is not sufficient to establish whether loss-of-function variants in PCYT1A cause disease.